The following is an entry in ClinVar:

ClinVar aggregate classification (germline): Likely benign (0 of 4 stars; one submission).

Conditions:
SPINK2-related disorder. Also called: SPINK2-related condition.

Allele frequency attached by ClinVar (database versions not stated): gnomAD 0.00005; TOPMed 0.00005; ExAC 0.00027.
gnomAD v4.1: 145 of 1,525,276 alleles (0.0095%); highest among the groups gnomAD compares: South Asian, 0.029%; no homozygotes.

Submission:

PreventionGenetics, part of Exact Sciences
Classification: Likely benign for SPINK2-related condition. Last evaluated: 2019-07-03. Review status: no assertion criteria provided. Collection method: clinical testing. Allele origin: germline.
Comment: This variant is classified as likely benign based on ACMG/AMP sequence variant interpretation guidelines (Richards et al. 2015 PMID: 25741868, with internal and published modifications).

NM_001271718.2(SPINK2):c.-7G>C

Genes: SPINK2 (serine peptidase inhibitor Kazal type 2; minus strand), LOC129992634 (ATAC-STARR-seq lymphoblastoid silent region 15455; plus strand). Cytogenetic location: 4q12.
Variant type: single nucleotide variant.
Coding change: c.-7G>C on transcript NM_001271718.2 (MANE Select); 7 bases upstream of the start codon, G replaced by C.
Molecular consequence: 5 prime UTR variant. On other transcripts: non-coding transcript variant (3).
Genome position (GRCh38, 1-based): chr4:56,821,669, C>G on the plus strand (G>C on the coding strand, the complement: SPINK2 is on the minus strand). VCF-style: chr4-56821669-C-G. GRCh37 (hg19) VCF-style: chr4-57687835-C-G.
Other names: c.-7G>C (NM_001271719.2, NM_001271720.2, NM_001271721.2 and 2 more transcripts).
Identifiers: ClinVar variation 3034488 (VCV003034488.2), dbSNP rs781093100, ClinGen allele CA2932009.